The following is an entry in ClinVar:

NM_001365088.1(SLC12A6):c.199A>G (p.Thr67Ala)

Gene: SLC12A6 (solute carrier family 12 member 6; minus strand). Cytogenetic location: 15q14.
Variant type: single nucleotide variant.
Coding change: c.199A>G on transcript NM_001365088.1 (MANE Select); coding-DNA position 199, A replaced by G.
Protein change: p.Thr67Ala; replaces threonine 67 with alanine.
Molecular consequence: missense variant.
Genome position (GRCh38, 1-based): chr15:34,336,482, T>C on the plus strand (A>G on the coding strand, the complement: SLC12A6 is on the minus strand). VCF-style: chr15-34336482-T-C. GRCh37 (hg19) VCF-style: chr15-34628683-T-C.
Other names: c.22A>G, p.Thr8Ala (NM_001042494.2, NM_001042495.2); c.172A>G, p.Thr58Ala (NM_001042496.2); c.199A>G, p.Thr67Ala (NM_001042497.2, NM_133647.2); short protein forms T58A, T67A, T8A.
Identifiers: ClinVar variation 2574270 (VCV002574270.1), dbSNP rs200556194, ClinGen allele CA268641706.

ClinVar aggregate classification (germline): Uncertain significance (1 of 4 stars; one submission).

Submission:

GeneDx
Classification: Uncertain significance. Last evaluated: 2023-01-31. Review status: criteria provided, single submitter. Criteria: GeneDx Variant Classification Process June 2021. Collection method: clinical testing. Allele origin: germline. Affected: yes.
Comment: Not observed at significant frequency in large population cohorts (gnomAD); In silico analysis supports that this missense variant has a deleterious effect on protein structure/function; Has not been previously published as pathogenic or benign to our knowledge